The following is an entry in ClinVar:

ClinVar aggregate classification (germline): Uncertain significance (1 of 4 stars; one submission).

Conditions:
Muscular dystrophy-dystroglycanopathy (congenital with brain and eye anomalies), type a, 11 (MDDGA11). Also called: Muscular dystrophy-dystroglycanopathy (congenital with brain and eye anomalies, type A, 11; WALKER-WARBURG SYNDROME OR MUSCLE-EYE-BRAIN DISEASE, B3GALNT2-RELATED; Congenital muscular dystrophy-dystroglycanopathy with brain and eye anomalies, type A11. Identifiers: Orphanet 588, Orphanet 899, MedGen C3554638, MONDO:0014071, OMIM 615181.

Allele frequency attached by ClinVar (database versions not stated): gnomAD exomes below 0.00001; gnomAD 0.00001.
gnomAD v4.1: 3 of 1,613,804 alleles (0.00019%); highest among the groups gnomAD compares: East Asian, 0.0067%; no homozygotes.

Submission:

Labcorp Genetics (formerly Invitae), Labcorp
Classification: Uncertain significance for Muscular dystrophy-dystroglycanopathy (congenital with brain and eye anomalies), type a, 11. Last evaluated: 2022-12-06. Review status: criteria provided, single submitter. Criteria: Invitae Variant Classification Sherloc (09022015). Collection method: clinical testing. Allele origin: germline.
Comment: In summary, the available evidence is currently insufficient to determine the role of this variant in disease. Therefore, it has been classified as a Variant of Uncertain Significance. Advanced modeling of protein sequence and biophysical properties (such as structural, functional, and spatial information, amino acid conservation, physicochemical variation, residue mobility, and thermodynamic stability) performed at Invitae indicates that this missense variant is not expected to disrupt B3GALNT2 protein function. ClinVar contains an entry for this variant (Variation ID: 1513240). This variant has not been reported in the literature in individuals affected with B3GALNT2-related conditions. This variant is present in population databases (no rsID available, gnomAD 0.01%). This sequence change replaces glutamine, which is neutral and polar, with proline, which is neutral and non-polar, at codon 201 of the B3GALNT2 protein (p.Gln201Pro).

NM_152490.5(B3GALNT2):c.602A>C (p.Gln201Pro)

Gene: B3GALNT2 (beta-1,3-N-acetylgalactosaminyltransferase 2; minus strand). Cytogenetic location: 1q42.3.
Variant type: single nucleotide variant.
Coding change: c.602A>C on transcript NM_152490.5 (MANE Select); coding-DNA position 602, A replaced by C.
Protein change: p.Gln201Pro; replaces glutamine 201 with proline.
Molecular consequence: missense variant.
Genome position (GRCh38, 1-based): chr1:235,480,103, T>G on the plus strand (A>C on the coding strand, the complement: B3GALNT2 is on the minus strand). VCF-style: chr1-235480103-T-G. GRCh37 (hg19) VCF-style: chr1-235643419-T-G.
Other names: c.725A>C, p.Gln242Pro (NM_001277155.3); short protein forms Q201P, Q242P.
Identifiers: ClinVar variation 1513240 (VCV001513240.8), dbSNP rs1372895091, ClinGen allele CA344922717.